The following is an entry in ClinVar:

ClinVar aggregate classification (germline): Uncertain significance (1 of 4 stars; one submission).

gnomAD v4.1: 1 of 1,613,802 alleles (0.000062%); highest among the groups gnomAD compares: Non-Finnish European, 0.000085%; no homozygotes.

Submission:

Ambry Genetics
Classification: Uncertain significance. Last evaluated: 2024-04-01. Review status: criteria provided, single submitter. Criteria: Ambry Variant Classification Scheme 2023. Collection method: clinical testing. Allele origin: germline.
Comment: The p.A1001E variant (also known as c.3002C>A), located in coding exon 4 of the ALPK2 gene, results from a C to A substitution at nucleotide position 3002. The alanine at codon 1001 is replaced by glutamic acid, an amino acid with dissimilar properties. This amino acid position is conserved. In addition, this alteration is predicted to be tolerated by in silico analysis. Based on the available evidence, the clinical significance of this alteration remains unclear.

NM_052947.4(ALPK2):c.3002C>A (p.Ala1001Glu)

Gene: ALPK2 (alpha kinase 2; minus strand). Cytogenetic location: 18q21.31.
Variant type: single nucleotide variant.
Coding change: c.3002C>A on transcript NM_052947.4 (MANE Select); coding-DNA position 3002, C replaced by A.
Protein change: p.Ala1001Glu; replaces alanine 1001 with glutamic acid.
Molecular consequence: missense variant.
Genome position (GRCh38, 1-based): chr18:58,537,185, G>T on the plus strand (C>A on the coding strand, the complement: ALPK2 is on the minus strand). VCF-style: chr18-58537185-G-T. GRCh37 (hg19) VCF-style: chr18-56204417-G-T.
Other names: short protein forms A1001E.
Identifiers: ClinVar variation 3289144 (VCV003289144.1).